The following is an entry in ClinVar:

NM_007294.4(BRCA1):c.4977A>C (p.Pro1659=)

Gene: BRCA1 (BRCA1 DNA repair associated; minus strand). Cytogenetic location: 17q21.31.
Variant type: single nucleotide variant.
Coding change: c.4977A>C on transcript NM_007294.4 (MANE Select); coding-DNA position 4977, A replaced by C.
Protein change: p.Pro1659=; no amino-acid change (proline 1659 retained).
Molecular consequence: synonymous variant. On other transcripts: intron variant (1).
Genome position (GRCh38, 1-based): chr17:43,070,937, T>G on the plus strand (A>C on the coding strand, the complement: BRCA1 is on the minus strand). VCF-style: chr17-43070937-T-G. GRCh37 (hg19) VCF-style: chr17-41222954-T-G.
Other names: c.1542A>C, p.Pro514= (NM_001408439.1, NM_001408440.1, NM_001408441.1 and 10 more transcripts); c.1539A>C, p.Pro513= (NM_001408445.1, NM_001408446.1, NM_001408447.1 and 2 more transcripts); c.1533A>C, p.Pro511= (NM_001408451.1); c.1527A>C, p.Pro509= (NM_001408452.1, NM_001408453.1, NM_001408454.1 and 3 more transcripts); c.1524A>C, p.Pro508= (NM_001408458.1, NM_001408459.1, NM_001408460.1 and 7 more transcripts); c.1521A>C, p.Pro507= (NM_001408468.1, NM_001408469.1, NM_001408470.1); c.1665A>C, p.Pro555= (NM_001408472.1, NM_007298.4, NM_007299.4 and 13 more transcripts); c.1662A>C, p.Pro554= (NM_001408473.1, NM_001408392.1, NM_001408396.1 and 8 more transcripts); and 71 more.
Identifiers: ClinVar variation 427277 (VCV000427277.6), dbSNP rs1131692087, ClinGen allele CA500231527.
Genomic context (GRCh38, chr17:43,070,937, plus strand): 5'-AGAATGTTGTTAAGTCTTAGTCATTAGGGAGATACATATGGATACACTCACAAATTCTTC[T>G]GGGGTCAGGCCAGACACCACCATGGACATTCTTTTGTTGACCCTTTCTGTTGAAGCTGTC-3'
Protein context (NP_009225.1, residues 1649-1669): RMSMVVSGLT[Pro1659=]EEFMLVYKFA

ClinVar aggregate classification (germline): Likely benign (3 of 4 stars; one submission).

Conditions:
Breast-ovarian cancer, familial, susceptibility to, 1 (BROVCA1). Also called: BRCA1 Hereditary Breast and Ovarian Cancer; OVARIAN CANCER, SUSCEPTIBILITY TO. Identifiers: Orphanet 145, MedGen C2676676, MONDO:0011450, OMIM 604370. Disease mechanism: loss of function.

Submissions (2):

Evidence-based Network for the Interpretation of Germline Mutant Alleles (ENIGMA)
Classification: Likely benign for Breast-ovarian cancer, familial, susceptibility to, 1. Last evaluated: 2017-06-29. Review status: reviewed by expert panel. Criteria: ENIGMA BRCA1/2 Classification Criteria (2017-06-29). Collection method: curation. Allele origin: germline.
Comment: Synonymous substitution variant, with low bioinformatic likelihood to result in a splicing aberration (Splicing prior probability 0.02).

Brotman Baty Institute, University of Washington
No classification provided (evidence only). Condition: Breast-ovarian cancer, familial 1. Review status: no classification provided. Collection method: in vitro. Allele origin: not applicable. Functional consequence: functionally_normal. Not counted in ClinVar's aggregate classification.
ClinVar note: "not provided" was previously submitted as the classification for the variant. However, the classification appeared to be based only on an observation of functional data so it was converted to no classification on 2025-07-30.